The following is an entry in ClinVar:

ClinVar aggregate classification (germline): Uncertain significance (1 of 4 stars; one submission).

gnomAD v4.1: 18 of 1,566,306 alleles (0.0011%); highest among the groups gnomAD compares: Admixed American, 0.0055%; no homozygotes.

Submission:

Dasa
Classification: Uncertain significance. Last evaluated: 2025-11-14. Review status: criteria provided, single submitter. Criteria: DASA Assertion Criteria. Collection method: clinical testing. Allele origin: germline.
Comment: NM_001202544.3(CUX1):c.1531C>A (p.Gln511Lys) is a missense variant that results in the substitution of glutamine with lysine. This variant is rare in population databases. The currently available literature and clinical evidence are not sufficient to establish a definitive association between this variant and the reported condition. Therefore, this variant is classified as a variant of uncertain significance.

NM_001913.5(CUX1):c.1579C>A (p.Gln527Lys)

Gene: CUX1 (cut like homeobox 1; plus strand). Cytogenetic location: 7q22.1.
Variant type: single nucleotide variant.
Coding change: c.1579C>A on transcript NM_001913.5 (MANE Plus Clinical); coding-DNA position 1579, C replaced by A.
Protein change: p.Gln527Lys; replaces glutamine 527 with lysine.
Molecular consequence: missense variant.
Genome position (GRCh38, 1-based): chr7:102,277,964, C>A. VCF-style: chr7-102277964-C-A. GRCh37 (hg19) VCF-style: chr7-101921235-C-A.
Other names: c.1531C>A, p.Gln511Lys (NM_001202544.3); c.1441C>A, p.Gln481Lys (NM_001202545.3); c.1462C>A, p.Gln488Lys (NM_001202546.3); c.1573C>A, p.Gln525Lys (NM_181500.4); short protein forms Q481K, Q488K, Q511K, Q525K, Q527K.
Identifiers: ClinVar variation 4885029 (VCV004885029.2).